The following is an entry in ClinVar:

ClinVar aggregate classification (germline): Likely benign (1 of 4 stars; one submission).

Conditions:
Papillary renal cell carcinoma type 1 (RCCP1). Also called: Renal adenocarcinoma; Renal cell carcinoma 1; Renal cell carcinoma, somatic; RENAL CELL CARCINOMA, PAPILLARY, 1, SOMATIC. Identifiers: Orphanet 47044, MedGen C1336839, OMIM 605074, HP:0011797.

Submission:

Myriad Genetics, Inc.
Classification: Likely benign for Papillary renal cell carcinoma type 1. Last evaluated: 2024-11-07. Review status: criteria provided, single submitter. Criteria: Myriad Autosomal Dominant, Autosomal Recessive and X-Linked Classification Criteria (2023). Collection method: clinical testing. Allele origin: unknown.
Comment: This variant is considered likely benign. This variant is intronic and is not expected to impact mRNA splicing.

NM_000245.4(MET):c.1392+7G>T

Gene: MET (MET proto-oncogene, receptor tyrosine kinase; plus strand). Cytogenetic location: 7q31.2.
Variant type: single nucleotide variant.
Coding change: c.1392+7G>T on transcript NM_000245.4 (MANE Select); 7 bases into the intron after coding-DNA position 1392, G replaced by T.
Molecular consequence: intron variant.
Genome position (GRCh38, 1-based): chr7:116,731,866, G>T. VCF-style: chr7-116731866-G-T. GRCh37 (hg19) VCF-style: chr7-116371920-G-T.
Other names: c.1392+7G>T (NM_001127500.3, NM_001324401.3); c.102+7G>T (NM_001324402.2).
Identifiers: ClinVar variation 3773306 (VCV003773306.1).